The following is an entry in ClinVar:

ClinVar aggregate classification (germline): Pathogenic (0 of 4 stars; one submission).

Conditions:
Fanconi anemia complementation group A (FANCA). Also called: Fanconi anemia, group A; FANCA-Related Fanconi Anemia. Identifiers: Orphanet 84, MedGen C3469521, MONDO:0009215, OMIM 227650.

Submission:

Leiden Open Variation Database
Classification: Pathogenic for Fanconi anemia complementation group A. Last evaluated: 2020-02-28. Review status: no assertion criteria provided. Collection method: curation. Allele origin: germline. Affected: yes.
Comment: Curator: Arleen D. Auerbach. Submitter to LOVD: Arleen D. Auerbach.

Literature cited by the submitters: PubMed 15522956.

NM_000135.4(FANCA):c.1006+2_1006+5del

Gene: FANCA (FA complementation group A; minus strand). Cytogenetic location: 16q24.3.
Variant type: Deletion.
Coding change: c.1006+2_1006+5del on transcript NM_000135.4 (MANE Select); the canonical splice donor site of the intron after coding-DNA position 1006 through 5 bases into the intron after coding-DNA position 1006, 4 bases deleted (TAGG; older notation c.1006+2_1006+5delTAGG).
Molecular consequence: splice donor variant.
Genome position (GRCh38, 1-based): chr16:89,795,901-89,795,904, CCTA deleted on the plus strand (TAGG on the coding strand, the reverse complement: FANCA is on the minus strand); deleting any 4 consecutive bases within chr16:89,795,901-89,795,907 gives the same sequence; the c. name uses the placement nearest the transcript's 3' end. VCF-style (leftmost placement, unchanged base first): chr16-89795900-GCCTA-G. GRCh37 (hg19) VCF-style: chr16-89862308-GCCTA-G.
Other names: c.1006+2_1006+5del (NM_001286167.3).
Identifiers: ClinVar variation 974302 (VCV000974302.1), dbSNP rs2040229450, ClinGen allele CA1139664968.